The following is an entry in ClinVar:

ClinVar aggregate classification (germline): Uncertain significance. Review status: criteria provided, multiple submitters, no conflicts (2 of 4 stars). 2 submissions from 2 submitters: Uncertain significance (2). Last evaluated 2025-07-16.

Conditions:
Inborn genetic diseases. Identifiers: MedGen C0950123, MeSH D030342.

Allele frequency attached by ClinVar (database versions not stated): ExAC 0.00006; gnomAD 0.00026; TOPMed 0.00034; 1000 Genomes Project 0.00040; ESP Exome Variant Server 0.00049; 1000 Genomes Project 30x 0.00062.
gnomAD v4.1: 69 of 1,613,212 alleles (0.0043%); highest among the groups gnomAD compares: African/African-American, 0.08%; no homozygotes.

Submissions (2):

Ambry Genetics
Classification: Uncertain significance for Inborn genetic diseases. Last evaluated: 2025-07-16. Review status: criteria provided, single submitter. Criteria: Ambry Variant Classification Scheme 2023. Collection method: clinical testing. Allele origin: germline.

Labcorp Genetics (formerly Invitae), Labcorp
Classification: Uncertain significance. Last evaluated: 2024-10-23. Review status: criteria provided, single submitter. Criteria: Invitae Variant Classification Sherloc (09022015). Collection method: clinical testing. Allele origin: germline.
Comment: This sequence change replaces leucine, which is neutral and non-polar, with valine, which is neutral and non-polar, at codon 2835 of the SPEG protein (p.Leu2835Val). This variant is present in population databases (rs200718513, gnomAD 0.08%). This variant has not been reported in the literature in individuals affected with SPEG-related conditions. ClinVar contains an entry for this variant (Variation ID: 1984760). An algorithm developed to predict the effect of missense changes on protein structure and function (PolyPhen-2) suggests that this variant¬†is likely to be tolerated. In summary, the available evidence is currently insufficient to determine the role of this variant in disease. Therefore, it has been classified as a Variant of Uncertain Significance.

NM_005876.5(SPEG):c.8503C>G (p.Leu2835Val)

Genes: ASIC4-AS1 (ASIC4 antisense RNA 1; minus strand), SPEG (striated muscle enriched protein kinase; plus strand). Cytogenetic location: 2q35.
Variant type: single nucleotide variant.
Coding change: c.8503C>G on transcript NM_005876.5 (MANE Select); coding-DNA position 8503, C replaced by G.
Protein change: p.Leu2835Val; replaces leucine 2835 with valine.
Molecular consequence: missense variant.
Genome position (GRCh38, 1-based): chr2:219,489,521, C>G. VCF-style: chr2-219489521-C-G. GRCh37 (hg19) VCF-style: chr2-220354243-C-G.
Other names: c.8503C>G (NM_005876.4); short protein forms L2835V.
Identifiers: ClinVar variation 1984760 (VCV001984760.4), dbSNP rs200718513, ClinGen allele CA2127509.
Genomic context (GRCh38, chr2:219,489,521, plus strand): 5'-CCGTCAGTCACTGTCAGCCCCTCATCTCCCCCCACACCTCCTAGCCAGGCCTTGTCCTCG[C>G]TCAAGGCTGTGGGTCCACCACCCCAAACCCCTCCACGAAGACACAGGGGCCTGCAGGCTG-3'
Protein context (NP_005867.3, residues 2825-2845): PTPPSQALSS[Leu2835Val]KAVGPPPQTP